The following is an entry in ClinVar:

NM_020810.3(TRMT5):c.872G>A (p.Arg291His)

Gene: TRMT5 (tRNA methyltransferase 5; minus strand). Cytogenetic location: 14q23.1.
Variant type: single nucleotide variant.
Coding change: c.872G>A on transcript NM_020810.3 (MANE Select); coding-DNA position 872, G replaced by A.
Protein change: p.Arg291His; replaces arginine 291 with histidine.
Molecular consequence: missense variant.
Genome position (GRCh38, 1-based): chr14:60,976,047, C>T on the plus strand (G>A on the coding strand, the complement: TRMT5 is on the minus strand). VCF-style: chr14-60976047-C-T. GRCh37 (hg19) VCF-style: chr14-61442765-C-T.
Other names: c.956G>A, p.Arg319His (NM_001350253.1); c.953G>A, p.Arg318His (NM_001350254.1); short protein forms R291H, R319H, R318H.
Identifiers: ClinVar variation 372247 (VCV000372247.7), dbSNP rs746738473, ClinGen allele CA7213806.

ClinVar aggregate classification (germline): Uncertain significance. Review status: criteria provided, multiple submitters, no conflicts (2 of 4 stars). 3 submissions from 3 submitters: Uncertain significance (2). 1 of the submissions does not count toward it. Last evaluated 2025-02-08.

Conditions:
Combined oxidative phosphorylation defect type 26 (PNSED). Also called: Combined oxidative phosphorylation deficiency 26; PERIPHERAL NEUROPATHY WITH VARIABLE SPASTICITY, EXERCISE INTOLERANCE, AND DEVELOPMENTAL DELAY. Identifiers: Orphanet 477684, MedGen C5567741, MONDO:0014684, OMIM 616539.

Allele frequency attached by ClinVar (database versions not stated): gnomAD 0.00003; TOPMed 0.00005; ExAC 0.00004; gnomAD exomes 0.00005.
gnomAD v4.1: 62 of 1,614,054 alleles (0.0038%); highest among the groups gnomAD compares: Non-Finnish European, 0.0046%; no homozygotes.

Submissions (3):

GeneDx
Classification: Uncertain significance. Last evaluated: 2025-02-08. Review status: criteria provided, single submitter. Criteria: GeneDx Variant Classification Process June 2021. Collection method: clinical testing. Allele origin: germline. Affected: yes.
Comment: Published functional studies suggest impaired enzymatic activity in a yeast model (PMID: 26189817); In silico analysis supports that this missense variant has a deleterious effect on protein structure/function; This variant is associated with the following publications: (PMID: 35342985, 2544623, 29021354, 26189817, 36768505)

Labcorp Genetics (formerly Invitae), Labcorp
Classification: Uncertain significance. Last evaluated: 2022-07-12. Review status: criteria provided, single submitter. Criteria: Invitae Variant Classification Sherloc (09022015). Collection method: clinical testing. Allele origin: germline.
Comment: In summary, the available evidence is currently insufficient to determine the role of this variant in disease. Therefore, it has been classified as a Variant of Uncertain Significance. Experimental studies have shown that this missense change affects TRMT5 function (PMID: 26189817). Algorithms developed to predict the effect of missense changes on protein structure and function (SIFT, PolyPhen-2, Align-GVGD) all suggest that this variant is likely to be disruptive. ClinVar contains an entry for this variant (Variation ID: 372247). This missense change has been observed in individual(s) with combined oxidative phosphorylation deficiency (PMID: 26189817, 29021354). It has also been observed to segregate with disease in related individuals. This variant is present in population databases (rs746738473, gnomAD 0.009%). This sequence change replaces arginine, which is basic and polar, with histidine, which is basic and polar, at codon 291 of the TRMT5 protein (p.Arg291His).

OMIM
Classification: Pathogenic for PERIPHERAL NEUROPATHY WITH VARIABLE SPASTICITY, EXERCISE INTOLERANCE, AND DEVELOPMENTAL DELAY. Last evaluated: 2022-06-01. Review status: no assertion criteria provided. Collection method: literature only. Allele origin: germline. Not counted in ClinVar's aggregate classification.

Literature cited by the submitters: PubMed 26189817 (cited by Labcorp Genetics (formerly Invitae), Labcorp and OMIM); PubMed 29021354 (cited by Labcorp Genetics (formerly Invitae), Labcorp and OMIM); PubMed 2544623 (cited by OMIM).